The following is an entry in ClinVar:

NM_001394062.1(MACF1):c.1916G>T (p.Gly639Val)

Gene: MACF1 (microtubule actin crosslinking factor 1; plus strand). Cytogenetic location: 1p34.3.
Variant type: single nucleotide variant.
Coding change: c.1916G>T on transcript NM_001394062.1 (MANE Select); coding-DNA position 1916, G replaced by T.
Protein change: p.Gly639Val; replaces glycine 639 with valine.
Molecular consequence: missense variant.
Genome position (GRCh38, 1-based): chr1:39,292,767, G>T. VCF-style: chr1-39292767-G-T. GRCh37 (hg19) VCF-style: chr1-39758439-G-T.
Other names: c.1931G>T, p.Gly644Val (NM_012090.5); short protein forms G644V, G639V.
Identifiers: ClinVar variation 779854 (VCV000779854.42), dbSNP rs139995582, ClinGen allele CA779565.
Genomic context (GRCh38, chr1:39,292,767, plus strand): 5'-AACACGTAGTTTACTTACTCTTTCTCTAATGTATTTTTATTTCATTCTTTTTTAATCAGG[G>T]AAAGATGTCCCAGAATTTCCATACCAGCTATGCTGAAACTCTTGGAAAGCTGGAGACACA-3'
Protein context (NP_001380991.1, residues 629-649): SSVKEARLYE[Gly639Val]KMSQNFHTSY

ClinVar aggregate classification (germline): Benign/Likely benign. Review status: criteria provided, multiple submitters, no conflicts (2 of 4 stars). 4 submissions from 4 submitters: Benign (3); Likely benign (1). Last evaluated 2026-09-01.

Conditions:
Lissencephaly 9 with complex brainstem malformation. Identifiers: Orphanet 572013, MedGen C5193029, MONDO:0032677, OMIM 618325.

Allele frequency attached by ClinVar (database versions not stated): gnomAD exomes 0.00372 and 0.00494; ExAC 0.00543; gnomAD 0.00556 and 0.00560; ESP Exome Variant Server 0.00569; TOPMed 0.00577; 1000 Genomes Project 30x 0.00578; 1000 Genomes Project 0.00619.
gnomAD v4.1: 6,564 of 1,606,648 alleles (0.41%); highest among the groups gnomAD compares: Middle Eastern, 6.6%; 68 homozygotes.

Submissions (13):

CeGaT Center for Human Genetics Tuebingen
Classification: Likely benign. Last evaluated: 2026-09-01. Review status: criteria provided, single submitter. Criteria: CeGaT Center For Human Genetics Tuebingen Variant Classification Criteria Version 2. Collection method: clinical testing. Allele origin: germline. Affected: yes. Observed: 23 variant alleles.
Comment: MACF1: BS2

Labcorp Genetics (formerly Invitae), Labcorp
Classification: Benign. Last evaluated: 2026-01-12. Review status: criteria provided, single submitter. Criteria: Invitae Variant Classification Sherloc (09022015). Collection method: clinical testing. Allele origin: germline.

Genome-Nilou Lab
Classification: Benign for Lissencephaly 9 with complex brainstem malformation. Last evaluated: 2023-04-11. Review status: criteria provided, single submitter. Criteria: ACMG Guidelines, 2015. Collection method: clinical testing. Allele origin: germline. Affected: no.

Breakthrough Genomics
Classification: Benign. Review status: criteria provided, single submitter. Criteria: ACMG Guidelines, 2015. Collection method: not provided. Allele origin: germline. Inheritance: Autosomal dominant inheritance. Affected: yes.

Dr. Peter K. Rogan Lab, Western University
No classification provided (evidence only). Condition: Clear cell carcinoma of kidney. Review status: no classification provided. Collection method: in vitro. Allele origin: not applicable. Functional consequence: retained intron. Not counted in ClinVar's aggregate classification.

Dr. Peter K. Rogan Lab, Western University
No classification provided (evidence only). Condition: Clear cell carcinoma of kidney. Review status: no classification provided. Collection method: in vitro. Allele origin: not applicable. Functional consequence: retained intron. Not counted in ClinVar's aggregate classification.

Dr. Peter K. Rogan Lab, Western University
No classification provided (evidence only). Condition: Clear cell carcinoma of kidney. Review status: no classification provided. Collection method: in vitro. Allele origin: not applicable. Functional consequence: retained intron. Not counted in ClinVar's aggregate classification.

Dr. Peter K. Rogan Lab, Western University
No classification provided (evidence only). Condition: Acute myeloid leukemia. Review status: no classification provided. Collection method: in vitro. Allele origin: not applicable. Functional consequence: retained intron. Not counted in ClinVar's aggregate classification.

Dr. Peter K. Rogan Lab, Western University
No classification provided (evidence only). Condition: Thyroid cancer, nonmedullary, 1. Review status: no classification provided. Collection method: in vitro. Allele origin: not applicable. Functional consequence: retained intron. Not counted in ClinVar's aggregate classification.

Dr. Peter K. Rogan Lab, Western University
No classification provided (evidence only). Condition: Cervical cancer. Review status: no classification provided. Collection method: in vitro. Allele origin: not applicable. Functional consequence: retained intron. Not counted in ClinVar's aggregate classification.

Dr. Peter K. Rogan Lab, Western University
No classification provided (evidence only). Condition: Thymoma. Review status: no classification provided. Collection method: in vitro. Allele origin: not applicable. Functional consequence: retained intron. Not counted in ClinVar's aggregate classification.

Dr. Peter K. Rogan Lab, Western University
No classification provided (evidence only). Condition: Gastric cancer. Review status: no classification provided. Collection method: in vitro. Allele origin: not applicable. Functional consequence: retained intron. Not counted in ClinVar's aggregate classification.

Dr. Peter K. Rogan Lab, Western University
No classification provided (evidence only). Condition: Gastric cancer. Review status: no classification provided. Collection method: in vitro. Allele origin: not applicable. Functional consequence: retained intron. Not counted in ClinVar's aggregate classification.